The following is an entry in ClinVar:

ClinVar aggregate classification (germline): Uncertain significance (1 of 4 stars; one submission).

Conditions:
Hereditary cancer-predisposing syndrome. Also called: Hereditary neoplastic syndrome; Neoplastic Syndromes, Hereditary; Tumor predisposition; Hereditary Cancer Syndrome. Identifiers: Orphanet 140162, MedGen C0027672, MeSH D009386, MONDO:0015356.

Submission:

Ambry Genetics
Classification: Uncertain significance for Hereditary cancer-predisposing syndrome. Last evaluated: 2019-12-27. Review status: criteria provided, single submitter. Criteria: Ambry Variant Classification Scheme 2023. Collection method: clinical testing. Allele origin: germline.
Comment: The p.E2378Q variant (also known as c.7132G>C), located in coding exon 48 of the ATM gene, results from a G to C substitution at nucleotide position 7132. The glutamic acid at codon 2378 is replaced by glutamine, an amino acid with highly similar properties. This amino acid position is not well conserved in available vertebrate species. In addition, this alteration is predicted to be tolerated by in silico analysis. Since supporting evidence is limited at this time, the clinical significance of this alteration remains unclear.

NM_000051.4(ATM):c.7132G>C (p.Glu2378Gln)

Genes: ATM (ATM serine/threonine kinase; plus strand), C11orf65 (chromosome 11 open reading frame 65; minus strand). Cytogenetic location: 11q22.3.
Variant type: single nucleotide variant.
Coding change: c.7132G>C on transcript NM_000051.4 (MANE Select); coding-DNA position 7132, G replaced by C.
Protein change: p.Glu2378Gln; replaces glutamic acid 2378 with glutamine.
Molecular consequence: missense variant. On other transcripts: intron variant (2).
Genome position (GRCh38, 1-based): chr11:108,329,063, G>C. VCF-style: chr11-108329063-G-C. GRCh37 (hg19) VCF-style: chr11-108199790-G-C.
Other names: c.7132G>C, p.Glu2378Gln (NM_001351834.2); c.641-19992C>G (NM_001330368.2); c.*38+6157C>G (NM_001351110.2); short protein forms E2378Q.
Identifiers: ClinVar variation 1757323 (VCV001757323.2), dbSNP rs2136412670, ClinGen allele CA382559471.